The following is an entry in ClinVar:

NM_014014.5(SNRNP200):c.5114T>C (p.Met1705Thr)

Genes: SNRNP200 (small nuclear ribonucleoprotein U5 subunit 200; minus strand), LOC126806272 (BRD4-independent group 4 enhancer GRCh37_chr2:96944520-96945719; plus strand). Cytogenetic location: 2q11.2.
Variant type: single nucleotide variant.
Coding change: c.5114T>C on transcript NM_014014.5 (MANE Select); coding-DNA position 5114, T replaced by C.
Protein change: p.Met1705Thr; replaces methionine 1705 with threonine.
Molecular consequence: missense variant.
Genome position (GRCh38, 1-based): chr2:96,279,470, A>G on the plus strand (T>C on the coding strand, the complement: SNRNP200 is on the minus strand). VCF-style: chr2-96279470-A-G. GRCh37 (hg19) VCF-style: chr2-96945208-A-G.
Other names: c.5114T>C (NM_014014.4); short protein forms M1705T.
Identifiers: ClinVar variation 1928925 (VCV001928925.7), dbSNP rs1179911900, ClinGen allele CA347660813.

ClinVar aggregate classification (germline): Uncertain significance. Review status: criteria provided, multiple submitters, no conflicts (2 of 4 stars). 3 submissions from 3 submitters: Uncertain significance (3). Last evaluated 2025-10-21.

Conditions:
SNRNP200-related disorder. Also called: SNRNP200-related condition.
Inborn genetic diseases. Identifiers: MedGen C0950123, MeSH D030342.

Allele frequency attached by ClinVar (database versions not stated): gnomAD 0.00001; gnomAD exomes 0.00001; TOPMed 0.00001.

Submissions (3):

PreventionGenetics, part of Exact Sciences
Classification: Uncertain significance for SNRNP200-related condition. Last evaluated: 2025-10-21. Review status: criteria provided, single submitter. Criteria: ACMG Guidelines, 2015. Collection method: clinical testing. Allele origin: germline.
Comment: The SNRNP200 c.5114T>C variant is predicted to result in the amino acid substitution p.Met1705Thr. To our knowledge, this variant has not been reported in the literature. This variant is reported in 0.0033% of alleles in individuals of South Asian descent in gnomAD. At this time, the clinical significance of this variant is uncertain due to the absence of conclusive functional and genetic evidence.

Ambry Genetics
Classification: Uncertain significance for Inborn genetic diseases. Last evaluated: 2025-10-02. Review status: criteria provided, single submitter. Criteria: Ambry Variant Classification Scheme 2023. Collection method: clinical testing. Allele origin: germline.

Labcorp Genetics (formerly Invitae), Labcorp
Classification: Uncertain significance. Last evaluated: 2025-04-23. Review status: criteria provided, single submitter. Criteria: Invitae Variant Classification Sherloc (09022015). Collection method: clinical testing. Allele origin: germline.
Comment: This sequence change replaces methionine, which is neutral and non-polar, with threonine, which is neutral and polar, at codon 1705 of the SNRNP200 protein (p.Met1705Thr). This variant is present in population databases (no rsID available, gnomAD 0.003%). This variant has not been reported in the literature in individuals affected with SNRNP200-related conditions. ClinVar contains an entry for this variant (Variation ID: 1928925). Invitae Evidence Modeling of protein sequence and biophysical properties (such as structural, functional, and spatial information, amino acid conservation, physicochemical variation, residue mobility, and thermodynamic stability) has been performed for this missense variant. However, the output from this modeling did not meet the statistical confidence thresholds required to predict the impact of this variant on SNRNP200 protein function. In summary, the available evidence is currently insufficient to determine the role of this variant in disease. Therefore, it has been classified as a Variant of Uncertain Significance.